The following is an entry in ClinVar:

ClinVar aggregate classification (germline): Likely benign (1 of 4 stars; one submission).

Allele frequency attached by ClinVar (database versions not stated): gnomAD exomes below 0.00001.
gnomAD v4.1: 2 of 1,614,132 alleles (0.00012%); highest among the groups gnomAD compares: Non-Finnish European, 0.000085%; no homozygotes.

Submission:

CeGaT Center for Human Genetics Tuebingen
Classification: Likely benign. Last evaluated: 2024-01-01. Review status: criteria provided, single submitter. Criteria: CeGaT Center For Human Genetics Tuebingen Variant Classification Criteria Version 2. Collection method: clinical testing. Allele origin: germline. Affected: yes. Observed: 1 variant allele.
Comment: FAT4: PM2:Supporting, BP4, BP7

NM_001291303.3(FAT4):c.1545C>T (p.Val515=)

Gene: FAT4 (FAT atypical cadherin 4; plus strand). Cytogenetic location: 4q28.1.
Variant type: single nucleotide variant.
Coding change: c.1545C>T on transcript NM_001291303.3 (MANE Select); coding-DNA position 1545, C replaced by T.
Protein change: p.Val515=; no amino-acid change (valine 515 retained).
Molecular consequence: synonymous variant.
Genome position (GRCh38, 1-based): chr4:125,317,956, C>T. VCF-style: chr4-125317956-C-T. GRCh37 (hg19) VCF-style: chr4-126239111-C-T.
Other names: c.1545C>T, p.Val515= (NM_001291285.3, NM_024582.6).
Identifiers: ClinVar variation 3025908 (VCV003025908.22), dbSNP rs1456788389, ClinGen allele CA441367038.